The following is an entry in ClinVar:

ClinVar aggregate classification (germline): Pathogenic (1 of 4 stars; one submission).

Conditions:
Primary ciliary dyskinesia. Also called: Ciliary dyskinesia. Identifiers: Orphanet 244, MedGen C0008780, MONDO:0016575, HP:0012265.

Submission:

Labcorp Genetics (formerly Invitae), Labcorp
Classification: Pathogenic for Primary ciliary dyskinesia. Last evaluated: 2026-01-05. Review status: criteria provided, single submitter. Criteria: Invitae Variant Classification Sherloc (09022015). Collection method: clinical testing. Allele origin: germline.
Comment: This sequence change creates a premature translational stop signal (p.Asn2442Thrfs*2) in the DNAH5 gene. It is expected to result in an absent or disrupted protein product. Loss-of-function variants in DNAH5 are known to be pathogenic (PMID: 11788826, 16627867). This variant is not present in population databases (gnomAD no frequency). This variant has not been reported in the literature in individuals affected with DNAH5-related conditions. ClinVar contains an entry for this variant (Variation ID: 2913101). For these reasons, this variant has been classified as Pathogenic.

Literature cited by the submitters: PubMed 11788826; PubMed 16627867.

NM_001369.3(DNAH5):c.7325del (p.Asn2442fs)

Gene: DNAH5 (dynein axonemal heavy chain 5; minus strand). Cytogenetic location: 5p15.2.
Variant type: Deletion.
Coding change: c.7325del on transcript NM_001369.3 (MANE Select); coding-DNA position 7325, one base deleted (A; older notation c.7325delA).
Protein change: p.Asn2442fs; shifts the reading frame from asparagine 2442.
Molecular consequence: frameshift variant.
Genome position (GRCh38, 1-based): chr5:13,811,729, T deleted on the plus strand (A on the coding strand, the reverse complement: DNAH5 is on the minus strand); the first of 2 consecutive T bases (chr5:13,811,729-13,811,730); deleting either gives the same sequence. VCF-style (leftmost placement, unchanged base first): chr5-13811728-GT-G. GRCh37 (hg19) VCF-style: chr5-13811837-GT-G.
Other names: short protein forms N2442fs.
Identifiers: ClinVar variation 2913101 (VCV002913101.4), dbSNP rs2546814478, ClinGen allele CA2739274648.